The following is an entry in ClinVar:

NM_017446.4(MRPL39):c.1A>G (p.Met1Val)

Genes: MRPL39 (mitochondrial ribosomal protein L39; minus strand), LOC130066491 (ATAC-STARR-seq lymphoblastoid active region 18314; plus strand). Cytogenetic location: 21q21.3.
Variant type: single nucleotide variant.
Coding change: c.1A>G on transcript NM_017446.4 (MANE Select); coding-DNA position 1, A replaced by G.
Protein change: p.Met1Val; changes the start codon (methionine 1).
Molecular consequence: missense variant, initiator codon variant.
Genome position (GRCh38, 1-based): chr21:25,607,475, T>C on the plus strand (A>G on the coding strand, the complement: MRPL39 is on the minus strand). VCF-style: chr21-25607475-T-C. GRCh37 (hg19) VCF-style: chr21-26979787-T-C.
Other names: c.1A>G, p.Met1Val (NM_080794.4); short protein forms M1V.
Identifiers: ClinVar variation 3768325 (VCV003768325.1).
Genomic context (GRCh38, chr21:25,607,475, plus strand): 5'-CGCCACCGGGTGCGACCAGCCAGAGCCGCAGCGCCCGGGAACCCATGGCCAGCGCCTCCA[T>C]AGCAGCGGTGAGAACCGTCGCGCGCAAGTCCTTCTCCGCCCTCCTCCCCCGGAAACCGAA-3'
Protein context (NP_059142.3, residues 1-11): [Met1Val]EALAMGSRAL

ClinVar aggregate classification (germline): Uncertain significance (1 of 4 stars; one submission).

Submission:

Women's Health and Genetics/Laboratory Corporation of America, LabCorp
Classification: Uncertain significance. Last evaluated: 2024-12-03. Review status: criteria provided, single submitter. Criteria: LabCorp Variant Classification Summary - May 2015. Collection method: clinical testing. Allele origin: germline.
Comment: Variant summary: MRPL39 c.1A>G (p.Met1Val) alters the initiation codon and is predicted to result either in absence of the protein or truncation of the encoded protein due to translation initiation at a downstream codon. The variant allele was found at a frequency of 2e-05 in 247554 control chromosomes. The available data on variant occurrences in the general population are insufficient to allow any conclusion about variant significance. To our knowledge, no occurrence of c.1A>G in individuals affected with Combined Oxidative Phosphorylation Deficiency 59 and no experimental evidence demonstrating its impact on protein function have been reported. No submitters have cited clinical-significance assessments for this variant to ClinVar. Based on the evidence outlined above, the variant was classified as uncertain significance.